The following is an entry in ClinVar:

ClinVar aggregate classification (germline): Benign (0 of 4 stars; one submission).

Conditions:
NFATC1-related disorder. Also called: NFATC1-related condition.

Submission:

PreventionGenetics, part of Exact Sciences
Classification: Benign for NFATC1-related condition. Last evaluated: 2019-06-07. Review status: no assertion criteria provided. Collection method: clinical testing. Allele origin: germline.
Comment: This variant is classified as benign based on ACMG/AMP sequence variant interpretation guidelines (Richards et al. 2015 PMID: 25741868, with internal and published modifications).

NM_001278669.2(NFATC1):c.-16CGC[5]

Gene: NFATC1 (nuclear factor of activated T cells 1; plus strand). Cytogenetic location: 18q23.
Variant type: Microsatellite.
Coding change: c.-16CGC[5] on transcript NM_001278669.2 (MANE Select); five copies in a row of the 3-base unit CGC starting at c.-16; the reference has four copies in a row; one copy, 3 bases duplicated.
Molecular consequence: 5 prime UTR variant.
Genome position (GRCh38, 1-based): chr18:79,396,218-79,396,220, CGC duplicated; duplicating any 3 consecutive bases within chr18:79,396,208-79,396,220 gives the same sequence; the position shown is the placement nearest the transcript's 3' end. VCF-style (leftmost placement, unchanged base first): chr18-79396207-C-CCCG. GRCh37 (hg19) VCF-style: chr18-77156207-C-CCCG.
Other names: c.-16CGC[5] (NM_001278670.2, NM_006162.5, NM_172390.3); c.-333CGC[5] (NM_172388.3).
Identifiers: ClinVar variation 3044671 (VCV003044671.2), dbSNP rs565670974, ClinGen allele CA9008631.
Genomic context (GRCh38, chr18:79,396,207, plus strand): 5'-ACCCGACCCCGGCAGCGCGGGGCGGCCGCTTCTCCTGTGCCTCCGCCCGCCGCTCCACTC[C>CCCG]CCGCCGCCGCCGCGCGGATGCCAAGCACCAGCTTTCCAGTCCCTTCCAAGTTTCCACTTG-3'